The following is an entry in ClinVar:

ClinVar aggregate classification (germline): Uncertain significance (1 of 4 stars; one submission).

gnomAD v4.1: 25 of 1,512,412 alleles (0.0017%); highest among the groups gnomAD compares: Non-Finnish European, 0.0018%; no homozygotes.

Submission:

Ambry Genetics
Classification: Uncertain significance. Last evaluated: 2024-12-08. Review status: criteria provided, single submitter. Criteria: Ambry Variant Classification Scheme 2023. Collection method: clinical testing. Allele origin: germline.
Comment: The p.A1611T variant (also known as c.4831G>A), located in coding exon 19 of the WNK2 gene, results from a G to A substitution at nucleotide position 4831. The alanine at codon 1611 is replaced by threonine, an amino acid with similar properties. This amino acid position is conserved. In addition, this alteration is predicted to be tolerated by in silico analysis. Based on the available evidence, the clinical significance of this variant remains unclear.

NM_006648.4(WNK2):c.4831G>A (p.Ala1611Thr)

Gene: WNK2 (WNK lysine deficient protein kinase 2; plus strand). Cytogenetic location: 9q22.31.
Variant type: single nucleotide variant.
Coding change: c.4831G>A on transcript NM_006648.4 (MANE Select); coding-DNA position 4831, G replaced by A.
Protein change: p.Ala1611Thr; replaces alanine 1611 with threonine.
Molecular consequence: missense variant.
Genome position (GRCh38, 1-based): chr9:93,289,585, G>A. VCF-style: chr9-93289585-G-A. GRCh37 (hg19) VCF-style: chr9-96051867-G-A.
Other names: c.4942G>A, p.Ala1648Thr (NM_001282394.3); short protein forms A1611T, A1648T.
Identifiers: ClinVar variation 2330713 (VCV002330713.3), dbSNP rs759804565, ClinGen allele CA5130407.